The following is an entry in ClinVar:

NM_152703.5(SAMD9L):c.3568G>T (p.Asp1190Tyr)

Gene: SAMD9L (sterile alpha motif domain containing 9 like; minus strand). Cytogenetic location: 7q21.2.
Variant type: single nucleotide variant.
Coding change: c.3568G>T on transcript NM_152703.5 (MANE Select); coding-DNA position 3568, G replaced by T.
Protein change: p.Asp1190Tyr; replaces aspartic acid 1190 with tyrosine.
Molecular consequence: missense variant.
Genome position (GRCh38, 1-based): chr7:93,132,404, C>A on the plus strand (G>T on the coding strand, the complement: SAMD9L is on the minus strand). VCF-style: chr7-93132404-C-A. GRCh37 (hg19) VCF-style: chr7-92761717-C-A.
Other names: c.3568G>T, p.Asp1190Tyr (NM_001303496.3, NM_001303497.3, NM_001303498.3 and 5 more transcripts); short protein forms D1190Y.
Identifiers: ClinVar variation 2657675 (VCV002657675.24), dbSNP rs754761518, ClinGen allele CA368181588.
Genomic context (GRCh38, chr7:93,132,404, plus strand): 5'-TCTGGATAGTGTAAAGACCAACTTCTATTTCACCCAAGAAACAAGCTGTGTTATACATGT[C>A]ATATCGTCTCTGGGACTTCTGTGGTGACCAGTTCTCGGTTTCATAGTTTTTACTATCAGT-3'
Protein context (NP_689916.2, residues 1180-1200): WSPQKSQRRY[Asp1190Tyr]MYNTACFLGE

ClinVar aggregate classification (germline): Uncertain significance (1 of 4 stars; one submission).

Submission:

CeGaT Center for Human Genetics Tuebingen
Classification: Uncertain significance. Last evaluated: 2023-01-01. Review status: criteria provided, single submitter. Criteria: CeGaT Center For Human Genetics Tuebingen Variant Classification Criteria Version 2. Collection method: clinical testing. Allele origin: germline. Affected: yes. Observed: 1 variant allele.
Comment: SAMD9L: PM2, BP4